The following is an entry in ClinVar:

NM_001079802.2(FKTN):c.877G>T (p.Val293Leu)

Gene: FKTN (fukutin; plus strand). Cytogenetic location: 9q31.2.
Variant type: single nucleotide variant.
Coding change: c.877G>T on transcript NM_001079802.2 (MANE Select); coding-DNA position 877, G replaced by T.
Protein change: p.Val293Leu; replaces valine 293 with leucine.
Molecular consequence: missense variant. On other transcripts: non-coding transcript variant (1).
Genome position (GRCh38, 1-based): chr9:105,615,374, G>T. VCF-style: chr9-105615374-G-T. GRCh37 (hg19) VCF-style: chr9-108377655-G-T.
Other names: c.877G>T, p.Val293Leu (NM_001198963.2, NM_001351496.2, NM_001351498.2 and 1 more transcripts); c.808G>T, p.Val270Leu (NM_001351497.2); c.481G>T, p.Val161Leu (NM_001351499.2, NM_001351500.2, NM_001351501.2 and 1 more transcripts); short protein forms V161L, V270L, V293L.
Identifiers: ClinVar variation 1436721 (VCV001436721.6), dbSNP rs146900302, ClinGen allele CA374377293.

ClinVar aggregate classification (germline): Uncertain significance (1 of 4 stars; one submission).

Conditions:
Walker-Warburg congenital muscular dystrophy. Also called: Muscular dystrophy-dystroglycanopathy, type A; Walker-Warburg syndrome. Identifiers: Orphanet 899, MedGen C0265221, MONDO:0000171.

Submission:

Labcorp Genetics (formerly Invitae), Labcorp
Classification: Uncertain significance for Walker-Warburg congenital muscular dystrophy. Last evaluated: 2021-02-22. Review status: criteria provided, single submitter. Criteria: Invitae Variant Classification Sherloc (09022015). Collection method: clinical testing. Allele origin: germline.
Comment: In summary, the available evidence is currently insufficient to determine the role of this variant in disease. Therefore, it has been classified as a Variant of Uncertain Significance. Algorithms developed to predict the effect of missense changes on protein structure and function are either unavailable or do not agree on the potential impact of this missense change (SIFT: "Deleterious"; PolyPhen-2: "Benign"; Align-GVGD: "Class C0"). This variant has not been reported in the literature in individuals with FKTN-related conditions. This variant is not present in population databases (ExAC no frequency). This sequence change replaces valine with leucine at codon 293 of the FKTN protein (p.Val293Leu). The valine residue is highly conserved and there is a small physicochemical difference between valine and leucine.